The following is an entry in ClinVar:

ClinVar aggregate classification (germline): Uncertain significance (1 of 4 stars; one submission).

Conditions:
Charcot-Marie-Tooth disease axonal type 2F (CMT2F). Also called: CHARCOT-MARIE-TOOTH DISEASE, NEURONAL, TYPE 2F; Charcot-Marie-Tooth Neuropathy Type 2F. Identifiers: Orphanet 99940, MedGen C1847823, MONDO:0011687, OMIM 606595.

Submission:

Labcorp Genetics (formerly Invitae), Labcorp
Classification: Uncertain significance for Charcot-Marie-Tooth disease axonal type 2F. Last evaluated: 2024-12-07. Review status: criteria provided, single submitter. Criteria: Invitae Variant Classification Sherloc (09022015). Collection method: clinical testing. Allele origin: germline.
Comment: This variant, c.576_578del, results in the deletion of 1 amino acid(s) of the HSPB1 protein (p.Gly193del), but otherwise preserves the integrity of the reading frame. This variant is present in population databases (no rsID available, gnomAD 0.007%). This variant has been observed in individual(s) with autosomal dominant distal hereditary motor neuropathy (PMID: 35297556). In at least one individual the variant was observed to be de novo. ClinVar contains an entry for this variant (Variation ID: 1398995). Experimental studies and prediction algorithms are not available or were not evaluated, and the functional significance of this variant is currently unknown. In summary, the available evidence is currently insufficient to determine the role of this variant in disease. Therefore, it has been classified as a Variant of Uncertain Significance.

Literature cited by the submitters: PubMed 35297556.

NM_001540.5(HSPB1):c.576_578del (p.Gly193del)

Gene: HSPB1 (heat shock protein family B (small) member 1; plus strand). Cytogenetic location: 7q11.23.
Variant type: Deletion.
Coding change: c.576_578del on transcript NM_001540.5 (MANE Select); coding-DNA positions 576 to 578, 3 bases deleted (GGG; older notation c.576_578delGGG).
Protein change: p.Gly193del; deletes glycine 193.
Molecular consequence: inframe deletion.
Genome position (GRCh38, 1-based): chr7:76,304,131-76,304,133, GGG deleted; deleting any 3 consecutive bases within chr7:76,304,129-76,304,133 gives the same sequence; the c. name uses the placement nearest the transcript's 3' end. VCF-style (leftmost placement, unchanged base first): chr7-76304128-TGGG-T. GRCh37 (hg19) VCF-style: chr7-75933445-TGGG-T.
Other names: short protein forms G193del.
Identifiers: ClinVar variation 1398995 (VCV001398995.8), dbSNP rs777055559, ClinGen allele CA160902001.